The following is an entry in ClinVar:

NM_004329.3(BMPR1A):c.272A>G (p.Gln91Arg)

Gene: BMPR1A (bone morphogenetic protein receptor type 1A; plus strand). Cytogenetic location: 10q23.2.
Variant type: single nucleotide variant.
Coding change: c.272A>G on transcript NM_004329.3 (MANE Select); coding-DNA position 272, A replaced by G.
Protein change: p.Gln91Arg; replaces glutamine 91 with arginine.
Molecular consequence: missense variant. On other transcripts: non-coding transcript variant (3).
Genome position (GRCh38, 1-based): chr10:86,892,168, A>G. VCF-style: chr10-86892168-A-G. GRCh37 (hg19) VCF-style: chr10-88651925-A-G.
Other names: c.272A>G, p.Gln91Arg (NM_001406559.1, NM_001406560.1, NM_001406561.1 and 23 more transcripts); c.188A>G, p.Gln63Arg (NM_001406584.1, NM_001406585.1, NM_001406586.1 and 2 more transcripts); short protein forms Q63R, Q91R.
Identifiers: ClinVar variation 2456211 (VCV002456211.2), dbSNP rs2539445768, ClinGen allele CA377448087.

ClinVar aggregate classification (germline): Uncertain significance (1 of 4 stars; one submission).

Conditions:
Hereditary cancer-predisposing syndrome. Also called: Neoplastic Syndromes, Hereditary; Hereditary neoplastic syndrome; Tumor predisposition; Hereditary Cancer Syndrome. Identifiers: Orphanet 140162, MedGen C0027672, MeSH D009386, MONDO:0015356.

Submission:

Ambry Genetics
Classification: Uncertain significance for Hereditary cancer-predisposing syndrome. Last evaluated: 2023-01-22. Review status: criteria provided, single submitter. Criteria: Ambry Variant Classification Scheme 2023. Collection method: clinical testing. Allele origin: germline.
Comment: The p.Q91R variant (also known as c.272A>G), located in coding exon 3 of the BMPR1A gene, results from an A to G substitution at nucleotide position 272. The glutamine at codon 91 is replaced by arginine, an amino acid with highly similar properties. This amino acid position is conserved. In addition, the in silico prediction for this alteration is inconclusive. Since supporting evidence is limited at this time, the clinical significance of this alteration remains unclear.